The following is an entry in ClinVar:

NM_000219.6(KCNE1):c.165C>A (p.Gly55=)

Gene: KCNE1 (potassium voltage-gated channel subfamily E regulatory subunit 1; minus strand). Cytogenetic location: 21q22.12.
Variant type: single nucleotide variant.
Coding change: c.165C>A on transcript NM_000219.6 (MANE Select); coding-DNA position 165, C replaced by A.
Protein change: p.Gly55=; no amino-acid change (glycine 55 retained).
Molecular consequence: synonymous variant.
Genome position (GRCh38, 1-based): chr21:34,449,470, G>T on the plus strand (C>A on the coding strand, the complement: KCNE1 is on the minus strand). VCF-style: chr21-34449470-G-T. GRCh37 (hg19) VCF-style: chr21-35821768-G-T.
Other names: c.165C>A, p.Gly55= (NM_001127668.4, NM_001127669.4, NM_001127670.4 and 4 more transcripts).
Identifiers: ClinVar variation 3374217 (VCV003374217.2).

Conditions:
Long QT syndrome 5 (LQT5). Identifiers: Orphanet 101016, Orphanet 768, MedGen C1867904, MONDO:0013372, OMIM 613695.

Submission:

Roden Lab, Vanderbilt University Medical Center
No classification provided (evidence only). Condition: Long QT syndrome 5. Review status: no classification provided. Collection method: in vitro. Allele origin: not applicable. Functional consequence: Effect on ion channel function.
ClinVar note: "not provided" was previously submitted as the classification for the variant. However, the classification appeared to be based only on an observation of functional data so it was converted to no classification on 2025-07-30.